The following is an entry in ClinVar:

ClinVar aggregate classification (germline): Uncertain significance. Review status: criteria provided, multiple submitters, no conflicts (2 of 4 stars). 3 submissions from 3 submitters: Uncertain significance (3). Last evaluated 2026-04-01.

Conditions:
Marfan syndrome (MFS). Also called: MARFAN SYNDROME, TYPE I; Marfan syndrome type 1; Marfan's syndrome; Marfan syndrome, classic; FBN1-Related Marfan Syndrome. Identifiers: Orphanet 284963, Orphanet 558, MedGen C0024796, MONDO:0007947, OMIM 154700.
Familial thoracic aortic aneurysm and aortic dissection (TAAD). Also called: Thoracic aortic aneurysms and dissections. Identifiers: Orphanet 91387, MedGen C4707243, MONDO:0019625.

Allele frequency attached by ClinVar (database versions not stated): gnomAD 0.00001; TOPMed below 0.00001.
gnomAD v4.1: 1 of 1,613,940 alleles (0.000062%); highest among the groups gnomAD compares: Non-Finnish European, 0.000085%; no homozygotes.

Submissions (3):

Ambry Genetics
Classification: Uncertain significance for Familial thoracic aortic aneurysm and aortic dissection. Last evaluated: 2026-04-01. Review status: criteria provided, single submitter. Criteria: Ambry Variant Classification Scheme 2023. Collection method: clinical testing. Allele origin: germline.

Labcorp Genetics (formerly Invitae), Labcorp
Classification: Uncertain significance for Marfan syndrome; Familial thoracic aortic aneurysm and aortic dissection. Last evaluated: 2024-09-23. Review status: criteria provided, single submitter. Criteria: Invitae Variant Classification Sherloc (09022015). Collection method: clinical testing. Allele origin: germline.
Comment: This sequence change replaces aspartic acid, which is acidic and polar, with asparagine, which is neutral and polar, at codon 1608 of the FBN1 protein (p.Asp1608Asn). This variant is not present in population databases (gnomAD no frequency). This variant has not been reported in the literature in individuals affected with FBN1-related conditions. Invitae Evidence Modeling of protein sequence and biophysical properties (such as structural, functional, and spatial information, amino acid conservation, physicochemical variation, residue mobility, and thermodynamic stability) has been performed for this missense variant. However, the output from this modeling did not meet the statistical confidence thresholds required to predict the impact of this variant on FBN1 protein function. In summary, the available evidence is currently insufficient to determine the role of this variant in disease. Therefore, it has been classified as a Variant of Uncertain Significance.

All of Us Research Program, National Institutes of Health
Classification: Uncertain significance for Marfan syndrome. Last evaluated: 2023-08-15. Review status: criteria provided, single submitter. Criteria: ACMG Guidelines, 2015. Collection method: clinical testing. Allele origin: germline. Inheritance: Autosomal dominant inheritance. Observed: 1 variant allele, 1 heterozygote.
Comment: This missense variant replaces aspartic acid with asparagine at codon 1608 of the FBN1 protein. Computational prediction is inconclusive regarding the impact of this variant on protein structure and function (internally defined REVEL score threshold 0.5 < inconclusive < 0.7, PMID: 27666373). To our knowledge, functional studies have not been reported for this variant. This variant has not been reported in individuals affected with FBN1-related disorders in the literature. This variant has not been identified in the general population by the Genome Aggregation Database (gnomAD). The available evidence is insufficient to determine the role of this variant in disease conclusively. Therefore, this variant is classified as a Variant of Uncertain Significance.

This study involves interpretation of variants in research participants for the purpose of population health screening. Participant phenotype was not available at the time of variant classification. Additional details can be found in publication PMID: 35346344, PMCID: PMC8962531

NM_000138.5(FBN1):c.4822G>A (p.Asp1608Asn)

Gene: FBN1 (fibrillin 1; minus strand). Cytogenetic location: 15q21.1.
Variant type: single nucleotide variant.
Coding change: c.4822G>A on transcript NM_000138.5 (MANE Select); coding-DNA position 4822, G replaced by A.
Protein change: p.Asp1608Asn; replaces aspartic acid 1608 with asparagine.
Molecular consequence: missense variant.
Genome position (GRCh38, 1-based): chr15:48,465,688, C>T on the plus strand (G>A on the coding strand, the complement: FBN1 is on the minus strand). VCF-style: chr15-48465688-C-T. GRCh37 (hg19) VCF-style: chr15-48757885-C-T.
Other names: c.4822G>A, p.Asp1608Asn (NM_001406716.1); short protein forms D1608N.
Identifiers: ClinVar variation 3072880 (VCV003072880.4), dbSNP rs2043314957, ClinGen allele CA392351420.